The following is an entry in ClinVar:

ClinVar aggregate classification (germline): Conflicting classifications of pathogenicity. Review status: criteria provided, conflicting classifications (1 of 4 stars). 4 submissions from 4 submitters: Likely pathogenic (1); Uncertain significance (2). 1 of the submissions does not count toward it. Last evaluated 2025-09-08.

Conditions:
Tooth agenesis, selective, 10 (STHAG10). Identifiers: MedGen C5774277, MONDO:0859339, OMIM 620173.

Allele frequency attached by ClinVar (database versions not stated): ExAC 0.00001; gnomAD 0.00001; gnomAD exomes 0.00001 and 0.00002; TOPMed 0.00003.
gnomAD v4.1: 19 of 1,613,912 alleles (0.0012%); highest among the groups gnomAD compares: East Asian, 0.011%; 1 homozygote.

Submissions (4):

Labcorp Genetics (formerly Invitae), Labcorp
Classification: Likely pathogenic. Last evaluated: 2025-09-08. Review status: criteria provided, single submitter. Criteria: Invitae Variant Classification Sherloc (09022015). Collection method: clinical testing. Allele origin: germline.
Comment: This sequence change replaces arginine, which is basic and polar, with tryptophan, which is neutral and slightly polar, at codon 444 of the TSPEAR protein (p.Arg444Trp). This variant is present in population databases (rs782352724, gnomAD 0.006%). This missense change has been observed in individual(s) with clinical features of ectodermal dysplasia (PMID: 32112661, 34042254; internal data). In at least one individual the data is consistent with being in trans (on the opposite chromosome) from a pathogenic variant. ClinVar contains an entry for this variant (Variation ID: 805690). Invitae Evidence Modeling of protein sequence and biophysical properties (such as structural, functional, and spatial information, amino acid conservation, physicochemical variation, residue mobility, and thermodynamic stability) has been performed for this missense variant. However, the output from this modeling did not meet the statistical confidence thresholds required to predict the impact of this variant on TSPEAR protein function. In summary, the currently available evidence indicates that the variant is pathogenic, but additional data are needed to prove that conclusively. Therefore, this variant has been classified as Likely Pathogenic.

Blueprint Genetics
Classification: Uncertain significance. Last evaluated: 2023-11-27. Review status: criteria provided, single submitter. Criteria: ACMG Guidelines, 2015. Collection method: clinical testing. Allele origin: germline.

Athena Diagnostics
Classification: Uncertain significance. Last evaluated: 2019-02-20. Review status: criteria provided, single submitter. Criteria: Athena Diagnostics Criteria. Collection method: clinical testing. Allele origin: germline.

OMIM
Classification: Pathogenic for TOOTH AGENESIS, SELECTIVE, 10. Last evaluated: 2022-12-20. Review status: no assertion criteria provided. Collection method: literature only. Allele origin: germline. Not counted in ClinVar's aggregate classification.

Literature cited by the submitters: PubMed 32112661 (cited by Labcorp Genetics (formerly Invitae), Labcorp and OMIM); PubMed 34042254 (cited by Labcorp Genetics (formerly Invitae), Labcorp).

NM_144991.3(TSPEAR):c.1330C>T (p.Arg444Trp)

Gene: TSPEAR (thrombospondin type laminin G domain and EAR repeats; minus strand). Cytogenetic location: 21q22.3.
Variant type: single nucleotide variant.
Coding change: c.1330C>T on transcript NM_144991.3 (MANE Select); coding-DNA position 1330, C replaced by T.
Protein change: p.Arg444Trp; replaces arginine 444 with tryptophan.
Molecular consequence: missense variant.
Genome position (GRCh38, 1-based): chr21:44,525,659, G>A on the plus strand (C>T on the coding strand, the complement: TSPEAR is on the minus strand). VCF-style: chr21-44525659-G-A. GRCh37 (hg19) VCF-style: chr21-45945542-G-A.
Other names: c.1126C>T, p.Arg376Trp (NM_001272037.2); short protein forms R444W, R376W.
Identifiers: ClinVar variation 805690 (VCV000805690.4), dbSNP rs782352724, ClinGen allele CA10056640.
Genomic context (GRCh38, chr21:44,525,659, plus strand): 5'-TCGCTCTGCCCCTGGAATGGTTGCCTCCCGGTGTGAAGGCCACTCCTGCCCTACCTTCCC[G>A]GTGGTTGGCCACCGCCAGGAAGTGCTCCCCATCCACCTCGAAGGCCTCCCAGTCTCGGGC-3'
Protein context (NP_659428.2, residues 434-454): GEHFLAVANH[Arg444Trp]EGDNHNIDSV